The following is an entry in ClinVar:

NM_005562.3(LAMC2):c.2426del (p.Asp809fs)

Gene: LAMC2 (laminin subunit gamma 2; plus strand). Cytogenetic location: 1q25.3.
Variant type: Deletion.
Coding change: c.2426del on transcript NM_005562.3 (MANE Select); coding-DNA position 2426, one base deleted (A; older notation c.2426delA).
Protein change: p.Asp809fs; shifts the reading frame from aspartic acid 809.
Molecular consequence: frameshift variant.
Genome position (GRCh38, 1-based): chr1:183,235,700, A deleted. VCF-style (leftmost placement, unchanged base first): chr1-183235699-GA-G. GRCh37 (hg19) VCF-style: chr1-183204834-GA-G.
Other names: c.2426del, p.Asp809fs (NM_018891.3); short protein forms D809fs.
Identifiers: ClinVar variation 2769426 (VCV002769426.3), dbSNP rs2526108690, ClinGen allele CA2697554740.
Genomic context (GRCh38, chr1:183,235,699, plus strand): 5'-GCCCTCTCACTGGTGCGCAAGGCCCTGCATGAAGGAGTCGGAAGCGGAAGCGGTAGCCCG[GA>G]CGGTGCTGTGGTGCAAGGGCTTGTGGAAAAGTACGTTCCTACGGGTCCTCCCGTGGCTCA-3'

ClinVar aggregate classification (germline): Pathogenic (1 of 4 stars; one submission).

Submission:

Labcorp Genetics (formerly Invitae), Labcorp
Classification: Pathogenic. Last evaluated: 2023-10-17. Review status: criteria provided, single submitter. Criteria: Invitae Variant Classification Sherloc (09022015). Collection method: clinical testing. Allele origin: germline.
Comment: This sequence change creates a premature translational stop signal (p.Asp809Alafs*22) in the LAMC2 gene. It is expected to result in an absent or disrupted protein product. Loss-of-function variants in LAMC2 are known to be pathogenic (PMID: 11907499, 16473856). This variant is not present in population databases (gnomAD no frequency). This variant has not been reported in the literature in individuals affected with LAMC2-related conditions. For these reasons, this variant has been classified as Pathogenic.

Literature cited by the submitters: PubMed 11907499; PubMed 16473856.